The following is an entry in ClinVar:

NM_152732.5(RSPH9):c.445A>G (p.Lys149Glu)

Gene: RSPH9 (radial spoke head component 9; plus strand). Cytogenetic location: 6p21.1.
Variant type: single nucleotide variant.
Coding change: c.445A>G on transcript NM_152732.5 (MANE Select); coding-DNA position 445, A replaced by G.
Protein change: p.Lys149Glu; replaces lysine 149 with glutamic acid.
Molecular consequence: missense variant. On other transcripts: non-coding transcript variant (2).
Genome position (GRCh38, 1-based): chr6:43,655,613, A>G. VCF-style: chr6-43655613-A-G. GRCh37 (hg19) VCF-style: chr6-43623350-A-G.
Other names: c.400A>G, p.Lys134Glu (NM_001193341.2, NM_001424120.1); c.445A>G, p.Lys149Glu (NM_001424119.1, NM_001424121.1); short protein forms K134E, K149E.
Identifiers: ClinVar variation 1990900 (VCV001990900.4), dbSNP rs2532769792, ClinGen allele CA364289185.

ClinVar aggregate classification (germline): Uncertain significance (1 of 4 stars; one submission).

Conditions:
Primary ciliary dyskinesia. Also called: Ciliary dyskinesia. Identifiers: Orphanet 244, MedGen C0008780, MONDO:0016575, HP:0012265.

Allele frequency attached by ClinVar (database versions not stated): gnomAD exomes below 0.00001.
gnomAD v4.1: 2 of 1,614,190 alleles (0.00012%); highest among the groups gnomAD compares: South Asian, 0.0011%; no homozygotes.

Submission:

Labcorp Genetics (formerly Invitae), Labcorp
Classification: Uncertain significance for Primary ciliary dyskinesia. Last evaluated: 2022-08-21. Review status: criteria provided, single submitter. Criteria: Invitae Variant Classification Sherloc (09022015). Collection method: clinical testing. Allele origin: germline.
Comment: This sequence change replaces lysine, which is basic and polar, with glutamic acid, which is acidic and polar, at codon 149 of the RSPH9 protein (p.Lys149Glu). This variant is not present in population databases (gnomAD no frequency). This variant has not been reported in the literature in individuals affected with RSPH9-related conditions. Algorithms developed to predict the effect of missense changes on protein structure and function (SIFT, PolyPhen-2, Align-GVGD) all suggest that this variant is likely to be tolerated. In summary, the available evidence is currently insufficient to determine the role of this variant in disease. Therefore, it has been classified as a Variant of Uncertain Significance.